The following is an entry in ClinVar:

ClinVar aggregate classification (germline): Uncertain significance (1 of 4 stars; one submission).

Conditions:
Inborn genetic diseases. Identifiers: MedGen C0950123, MeSH D030342.

Submission:

Ambry Genetics
Classification: Uncertain significance for Inborn genetic diseases. Last evaluated: 2025-12-13. Review status: criteria provided, single submitter. Criteria: Ambry Variant Classification Scheme 2023. Collection method: clinical testing. Allele origin: germline.
Comment: The p.L205Q variant (also known as c.614T>A), located in coding exon 1 of the SH2B3 gene, results from a T to A substitution at nucleotide position 614. The leucine at codon 205 is replaced by glutamine, an amino acid with dissimilar properties. This amino acid position is conserved. In addition, this alteration is predicted to be tolerated by in silico analysis. Based on the available evidence, the clinical significance of this variant remains unclear.

NM_005475.3(SH2B3):c.614T>A (p.Leu205Gln)

Gene: SH2B3 (SH2B adaptor protein 3; plus strand). Cytogenetic location: 12q24.12.
Variant type: single nucleotide variant.
Coding change: c.614T>A on transcript NM_005475.3 (MANE Select); coding-DNA position 614, T replaced by A.
Protein change: p.Leu205Gln; replaces leucine 205 with glutamine.
Molecular consequence: missense variant.
Genome position (GRCh38, 1-based): chr12:111,418,759, T>A. VCF-style: chr12-111418759-T-A. GRCh37 (hg19) VCF-style: chr12-111856563-T-A.
Other names: short protein forms L205Q.
Identifiers: ClinVar variation 4630787 (VCV004630787.1).